The following is an entry in ClinVar:

ClinVar aggregate classification (germline): Uncertain significance (1 of 4 stars; one submission).

Allele frequency attached by ClinVar (database versions not stated): gnomAD 0.00001; gnomAD exomes 0.00001 and 0.00002; TOPMed 0.00001; ExAC 0.00005; 1000 Genomes Project 30x 0.00016; 1000 Genomes Project 0.00020.
gnomAD v4.1: 10 of 1,560,094 alleles (0.00064%); highest among the groups gnomAD compares: South Asian, 0.011%; no homozygotes.

Submission:

Labcorp Genetics (formerly Invitae), Labcorp
Classification: Uncertain significance. Last evaluated: 2021-11-20. Review status: criteria provided, single submitter. Criteria: Invitae Variant Classification Sherloc (09022015). Collection method: clinical testing. Allele origin: germline.
Comment: This sequence change replaces proline, which is neutral and non-polar, with serine, which is neutral and polar, at codon 242 of the COQ8A protein (p.Pro242Ser). In summary, the available evidence is currently insufficient to determine the role of this variant in disease. Therefore, it has been classified as a Variant of Uncertain Significance. Advanced modeling of protein sequence and biophysical properties (such as structural, functional, and spatial information, amino acid conservation, physicochemical variation, residue mobility, and thermodynamic stability) performed at Invitae indicates that this missense variant is not expected to disrupt COQ8A protein function. This missense change has been observed in individual(s) with clinical features of coenzyme Q10 deficiency (Invitae). This variant is present in population databases (rs571967614, gnomAD 0.009%).

NM_020247.5(COQ8A):c.724C>T (p.Pro242Ser)

Gene: COQ8A (coenzyme Q8A; plus strand). Cytogenetic location: 1q42.13.
Variant type: single nucleotide variant.
Coding change: c.724C>T on transcript NM_020247.5 (MANE Select); coding-DNA position 724, C replaced by T.
Protein change: p.Pro242Ser; replaces proline 242 with serine.
Molecular consequence: missense variant.
Genome position (GRCh38, 1-based): chr1:226,977,517, C>T. VCF-style: chr1-226977517-C-T. GRCh37 (hg19) VCF-style: chr1-227165218-C-T.
Other names: short protein forms P242S.
Identifiers: ClinVar variation 1475174 (VCV001475174.6), dbSNP rs571967614, ClinGen allele CA1425109.